The following is an entry in ClinVar:

ClinVar aggregate classification (germline): Uncertain significance (1 of 4 stars; one submission).

Submission:

GeneDx
Classification: Uncertain significance. Last evaluated: 2025-04-19. Review status: criteria provided, single submitter. Criteria: GeneDx Variant Classification Process June 2021. Collection method: clinical testing. Allele origin: germline. Affected: yes.
Comment: Not observed at significant frequency in large population cohorts (gnomAD); In silico analysis supports that this missense variant has a deleterious effect on protein structure/function; Has not been previously published as pathogenic or benign to our knowledge

NM_001330288.2(SMARCC2):c.2721G>C (p.Leu907Phe)

Gene: SMARCC2 (SWI/SNF related BAF chromatin remodeling complex subunit C2; minus strand). Cytogenetic location: 12q13.2.
Variant type: single nucleotide variant.
Coding change: c.2721G>C on transcript NM_001330288.2 (MANE Select); coding-DNA position 2721, G replaced by C.
Protein change: p.Leu907Phe; replaces leucine 907 with phenylalanine.
Molecular consequence: missense variant.
Genome position (GRCh38, 1-based): chr12:56,168,189, C>G on the plus strand (G>C on the coding strand, the complement: SMARCC2 is on the minus strand). VCF-style: chr12-56168189-C-G. GRCh37 (hg19) VCF-style: chr12-56561973-C-G.
Other names: c.2721G>C, p.Leu907Phe (NM_001130420.3, NM_139067.4); c.2628G>C, p.Leu876Phe (NM_003075.5); short protein forms L876F, L907F.
Identifiers: ClinVar variation 4282268 (VCV004282268.1).